The following is an entry in ClinVar:

NM_018706.7(DHTKD1):c.2685G>C (p.Leu895Phe)

Gene: DHTKD1 (dehydrogenase E1 and transketolase domain containing 1; plus strand). Cytogenetic location: 10p14.
Variant type: single nucleotide variant.
Coding change: c.2685G>C on transcript NM_018706.7 (MANE Select); coding-DNA position 2685, G replaced by C.
Protein change: p.Leu895Phe; replaces leucine 895 with phenylalanine.
Molecular consequence: missense variant.
Genome position (GRCh38, 1-based): chr10:12,120,813, G>C. VCF-style: chr10-12120813-G-C. GRCh37 (hg19) VCF-style: chr10-12162812-G-C.
Other names: short protein forms L895F.
Identifiers: ClinVar variation 1964690 (VCV001964690.5), dbSNP rs890522994, ClinGen allele CA202568836.
Genomic context (GRCh38, chr10:12,120,813, plus strand): 5'-ATGTCATTTTATTTCTTCTCTGCTGCACTTATAGCTCCGTCTGGTGGGCCGGCCCCCTTT[G>C]CCAGTACCCGCTGTAGGAATTGGCACAGTTCACTTGCACCAGCATGAAGATATCCTCGCC-3'
Protein context (NP_061176.4, residues 885-905): CKLRLVGRPP[Leu895Phe]PVPAVGIGTV

ClinVar aggregate classification (germline): Uncertain significance (1 of 4 stars; one submission).

Conditions:
2-aminoadipic 2-oxoadipic aciduria (AAKAD). Also called: Aminoadipic aciduria; ALPHA-AMINOADIPIC AND ALPHA-KETOADIPIC ACIDURIA. Identifiers: Orphanet 79154, MedGen C1859817, MONDO:0008774, OMIM 204750.

Allele frequency attached by ClinVar (database versions not stated): TOPMed 0.00001.
gnomAD v4.1: 1 of 1,614,088 alleles (0.000062%); highest among the groups gnomAD compares: African/African-American, 0.0013%; no homozygotes.

Submission:

Labcorp Genetics (formerly Invitae), Labcorp
Classification: Uncertain significance for 2-aminoadipic 2-oxoadipic aciduria. Last evaluated: 2025-06-12. Review status: criteria provided, single submitter. Criteria: Invitae Variant Classification Sherloc (09022015). Collection method: clinical testing. Allele origin: germline.
Comment: This sequence change replaces leucine, which is neutral and non-polar, with phenylalanine, which is neutral and non-polar, at codon 895 of the DHTKD1 protein (p.Leu895Phe). This variant is not present in population databases (gnomAD no frequency). This variant has not been reported in the literature in individuals affected with DHTKD1-related conditions. ClinVar contains an entry for this variant (Variation ID: 1964690). Invitae Evidence Modeling of protein sequence and biophysical properties (such as structural, functional, and spatial information, amino acid conservation, physicochemical variation, residue mobility, and thermodynamic stability) indicates that this missense variant is not expected to disrupt DHTKD1 protein function with a negative predictive value of 80%. In summary, the available evidence is currently insufficient to determine the role of this variant in disease. Therefore, it has been classified as a Variant of Uncertain Significance.